The following is an entry in ClinVar:

ClinVar aggregate classification (germline): Uncertain significance (1 of 4 stars; one submission).

Conditions:
Hereditary breast ovarian cancer syndrome. Also called: Breast and ovarian cancer; BRCA1- and BRCA2-Associated Hereditary Breast and Ovarian Cancer; Hereditary breast and ovarian cancer; Hereditary breast and ovarian cancer syndrome (HBOC); Hereditary breast and/or ovarian cancer syndrome; Hereditary breast and ovarian cancer syndrome. Identifiers: Orphanet 145, MedGen C0677776, MeSH D061325, MONDO:0003582. Disease mechanism: loss of function.

Submission:

Labcorp Genetics (formerly Invitae), Labcorp
Classification: Uncertain significance for Hereditary breast ovarian cancer syndrome. Last evaluated: 2025-02-25. Review status: criteria provided, single submitter. Criteria: Invitae Variant Classification Sherloc (09022015). Collection method: clinical testing. Allele origin: germline.
Comment: This sequence change replaces glutamic acid, which is acidic and polar, with glycine, which is neutral and non-polar, at codon 879 of the BRCA1 protein (p.Glu879Gly). This variant is not present in population databases (gnomAD no frequency). This variant has not been reported in the literature in individuals affected with BRCA1-related conditions. Invitae Evidence Modeling of protein sequence and biophysical properties (such as structural, functional, and spatial information, amino acid conservation, physicochemical variation, residue mobility, and thermodynamic stability) indicates that this missense variant is not expected to disrupt BRCA1 protein function with a negative predictive value of 95%. In summary, the available evidence is currently insufficient to determine the role of this variant in disease. Therefore, it has been classified as a Variant of Uncertain Significance.

NM_007294.4(BRCA1):c.2636A>G (p.Glu879Gly)

Gene: BRCA1 (BRCA1 DNA repair associated; minus strand). Cytogenetic location: 17q21.31.
Variant type: single nucleotide variant.
Coding change: c.2636A>G on transcript NM_007294.4 (MANE Select); coding-DNA position 2636, A replaced by G.
Protein change: p.Glu879Gly; replaces glutamic acid 879 with glycine.
Molecular consequence: missense variant. On other transcripts: intron variant (137).
Genome position (GRCh38, 1-based): chr17:43,092,895, T>C on the plus strand (A>G on the coding strand, the complement: BRCA1 is on the minus strand). VCF-style: chr17-43092895-T-C. GRCh37 (hg19) VCF-style: chr17-41244912-T-C.
Other names: c.2513A>G, p.Glu838Gly (NM_001407680.1, NM_001407681.1, NM_001407682.1 and 19 more transcripts); c.2636A>G, p.Glu879Gly (NM_001407684.1, NM_001407854.1, NM_001407858.1 and 30 more transcripts); c.2510A>G, p.Glu837Gly (NM_001407685.1, NM_001407686.1, NM_001407687.1 and 11 more transcripts); c.2495A>G, p.Glu832Gly (NM_001407692.1, NM_001407694.1, NM_001407695.1 and 29 more transcripts); c.2492A>G, p.Glu831Gly (NM_001407740.1, NM_001407741.1, NM_001407742.1 and 20 more transcripts); c.2423A>G, p.Glu808Gly (NM_001407853.1, NM_001407894.1, NM_001407895.1 and 9 more transcripts); c.2633A>G, p.Glu878Gly (NM_001407860.1, NM_001407861.1, NM_001407587.1 and 22 more transcripts); c.2558A>G, p.Glu853Gly (NM_001407663.1, NM_001407653.1, NM_001407654.1 and 4 more transcripts); and 41 more; short protein forms E752G, E791G, E853G, E583G, E768G, E831G, E832G, E876G.
Identifiers: ClinVar variation 4761225 (VCV004761225.1).